The following is an entry in ClinVar:

NM_004663.5(RAB11A):c.196G>T (p.Asp66Tyr)

Gene: RAB11A (RAB11A, member RAS oncogene family; plus strand). Cytogenetic location: 15q22.31.
Variant type: single nucleotide variant.
Coding change: c.196G>T on transcript NM_004663.5 (MANE Select); coding-DNA position 196, G replaced by T.
Protein change: p.Asp66Tyr; replaces aspartic acid 66 with tyrosine.
Molecular consequence: missense variant.
Genome position (GRCh38, 1-based): chr15:65,877,487, G>T. VCF-style: chr15-65877487-G-T. GRCh37 (hg19) VCF-style: chr15-66169825-G-T.
Other names: p.Asp66Tyr; c.196G>T (NM_004663.4); c.196G>T, p.Asp66Tyr (NM_001206836.2); short protein forms D66Y.
Identifiers: ClinVar variation 3384177 (VCV003384177.3).

ClinVar aggregate classification (germline): Uncertain significance. Review status: criteria provided, multiple submitters, no conflicts (2 of 4 stars). 2 submissions from 2 submitters: Uncertain significance (2). Last evaluated 2026-02-25.

Conditions:
RAB11A-associated neurodevelopmental condition.

Submissions (2):

Ambry Genetics
Classification: Uncertain significance. Last evaluated: 2026-02-25. Review status: criteria provided, single submitter. Criteria: Ambry Variant Classification Scheme 2023. Collection method: clinical testing. Allele origin: germline.
Comment: The c.196G>T (p.D66Y) alteration is located in coding exon 2 of the RAB11A gene. This alteration results from a G to T substitution at nucleotide position 196, causing the aspartic acid (D) at amino acid position 66 to be replaced by a tyrosine (Y). This variant was not reported in population-based cohorts in the Genome Aggregation Database (gnomAD). This variant was reported in individual(s) with features consistent with RAB11A-related neurodevelopmental disorder (Borroto, 2024). This amino acid position is highly conserved in available vertebrate species. This missense alteration is located in a region that has a low rate of benign missense variation (Lek, 2016; Firth, 2009). This alteration is predicted to be deleterious by in silico analysis. Based on insufficient or conflicting evidence, the clinical significance of this alteration remains unclear.

Undiagnosed Diseases Network, NIH
Classification: Uncertain significance for RAB11A-associated neurodevelopmental condition. Last evaluated: 2022-09-20. Review status: criteria provided, single submitter. Criteria: ACMG Guidelines, 2015. Collection method: clinical testing. Allele origin: unknown. Affected: yes. Observed: 1 heterozygote. Study: Undiagnosed Diseases Network (NIH), UDN.
Comment: This variant lies in GTP/GDP binding site, adjacent to variants found in other patients.

Literature cited by the submitters: PubMed 39181022 (cited by Ambry Genetics and Undiagnosed Diseases Network, NIH).